The following is an entry in ClinVar:

NM_000548.5(TSC2):c.3560T>C (p.Val1187Ala)

Gene: TSC2 (TSC complex subunit 2; plus strand). Cytogenetic location: 16p13.3.
Variant type: single nucleotide variant.
Coding change: c.3560T>C on transcript NM_000548.5 (MANE Select); coding-DNA position 3560, T replaced by C.
Protein change: p.Val1187Ala; replaces valine 1187 with alanine.
Molecular consequence: missense variant. On other transcripts: non-coding transcript variant (5).
Genome position (GRCh38, 1-based): chr16:2,080,327, T>C. VCF-style: chr16-2080327-T-C. GRCh37 (hg19) VCF-style: chr16-2130328-T-C.
Other names: c.3428T>C, p.Val1143Ala (NM_001077183.3, NM_001370404.1, NM_001406665.1); c.3560T>C, p.Val1187Ala (NM_001114382.3); c.3320T>C, p.Val1107Ala (NM_001318827.2); c.3284T>C, p.Val1095Ala (NM_001318829.2); c.2828T>C, p.Val943Ala (NM_001318831.2, NM_001406687.1, NM_001406688.1); c.3461T>C, p.Val1154Ala (NM_001318832.2); c.3431T>C, p.Val1144Ala (NM_001363528.2, NM_021055.3, NM_001370405.1); c.3413T>C, p.Val1138Ala (NM_001406675.1); and 18 more; short protein forms V1095A, V1124A, V1143A, V1173A, V609A, V990A, V1094A, V1138A.
Identifiers: ClinVar variation 5031285 (VCV005031285.1).

ClinVar aggregate classification (germline): Uncertain significance (1 of 4 stars; one submission).

Conditions:
Hereditary cancer-predisposing syndrome. Also called: Neoplastic Syndromes, Hereditary; Tumor predisposition; Hereditary neoplastic syndrome; Hereditary Cancer Syndrome. Identifiers: Orphanet 140162, MedGen C0027672, MeSH D009386, MONDO:0015356.

Submission:

Ambry Genetics
Classification: Uncertain significance for Hereditary cancer-predisposing syndrome. Last evaluated: 2026-07-29. Review status: criteria provided, single submitter. Criteria: Ambry Variant Classification Scheme 2023. Collection method: clinical testing. Allele origin: germline.
Comment: The p.V1187A variant (also known as c.3560T>C), located in coding exon 29 of the TSC2 gene, results from a T to C substitution at nucleotide position 3560. The valine at codon 1187 is replaced by alanine, an amino acid with similar properties. This amino acid position is highly conserved in available vertebrate species. In addition, the in silico prediction for this alteration is inconclusive. Based on the available evidence, the clinical significance of this variant remains unclear.